The following is an entry in ClinVar:

NM_003482.4(KMT2D):c.16168C>T (p.Arg5390Trp)

Gene: KMT2D (lysine methyltransferase 2D; minus strand). Cytogenetic location: 12q13.12.
Variant type: single nucleotide variant.
Coding change: c.16168C>T on transcript NM_003482.4 (MANE Select); coding-DNA position 16168, C replaced by T.
Protein change: p.Arg5390Trp; replaces arginine 5390 with tryptophan.
Molecular consequence: missense variant.
Genome position (GRCh38, 1-based): chr12:49,022,760, G>A on the plus strand (C>T on the coding strand, the complement: KMT2D is on the minus strand). VCF-style: chr12-49022760-G-A. GRCh37 (hg19) VCF-style: chr12-49416543-G-A.
Other names: short protein forms R5390W.
Identifiers: ClinVar variation 3777279 (VCV003777279.1).

ClinVar aggregate classification (germline): Uncertain significance (1 of 4 stars; one submission).

Submission:

GeneDx
Classification: Uncertain significance. Last evaluated: 2024-10-14. Review status: criteria provided, single submitter. Criteria: GeneDx Variant Classification Process June 2021. Collection method: clinical testing. Allele origin: germline. Affected: yes.
Comment: Not observed at significant frequency in large population cohorts (gnomAD); In silico analysis supports that this missense variant has a deleterious effect on protein structure/function; Has not been previously published as pathogenic or benign to our knowledge.